The following is an entry in ClinVar:

ClinVar aggregate classification (germline): Uncertain significance (1 of 4 stars; one submission).

Conditions:
Vici syndrome (VICIS). Identifiers: Orphanet 1493, MedGen C1855772, MONDO:0009452, OMIM 242840.

Submission:

Labcorp Genetics (formerly Invitae), Labcorp
Classification: Uncertain significance for Vici syndrome. Last evaluated: 2024-03-14. Review status: criteria provided, single submitter. Criteria: Invitae Variant Classification Sherloc (09022015). Collection method: clinical testing. Allele origin: germline.
Comment: This sequence change replaces isoleucine, which is neutral and non-polar, with valine, which is neutral and non-polar, at codon 1522 of the EPG5 protein (p.Ile1522Val). This variant is not present in population databases (gnomAD no frequency). This variant has not been reported in the literature in individuals affected with EPG5-related conditions. Advanced modeling of protein sequence and biophysical properties (such as structural, functional, and spatial information, amino acid conservation, physicochemical variation, residue mobility, and thermodynamic stability) performed at Invitae indicates that this missense variant is not expected to disrupt EPG5 protein function with a negative predictive value of 80%. In summary, the available evidence is currently insufficient to determine the role of this variant in disease. Therefore, it has been classified as a Variant of Uncertain Significance.

NM_020964.3(EPG5):c.4564A>G (p.Ile1522Val)

Gene: EPG5 (ectopic P-granules 5 autophagy tethering factor; minus strand). Cytogenetic location: 18q21.1.
Variant type: single nucleotide variant.
Coding change: c.4564A>G on transcript NM_020964.3 (MANE Select); coding-DNA position 4564, A replaced by G.
Protein change: p.Ile1522Val; replaces isoleucine 1522 with valine.
Molecular consequence: missense variant.
Genome position (GRCh38, 1-based): chr18:45,901,078, T>C on the plus strand (A>G on the coding strand, the complement: EPG5 is on the minus strand). VCF-style: chr18-45901078-T-C. GRCh37 (hg19) VCF-style: chr18-43481043-T-C.
Other names: c.4564A>G, p.Ile1522Val (NM_001410858.1, NM_001410859.1); short protein forms I1522V.
Identifiers: ClinVar variation 3670555 (VCV003670555.2).
Genomic context (GRCh38, chr18:45,901,078, plus strand): 5'-TCAGGTCTGTGCACACCAGCTGGGTGGCGTCCTTCTGACTCAATAGCACAGCAGAGGAAA[T>C]AACTGGCACAGGAGGCTTCGTCGGGTGCAGAGCAAGGGGAGGCTGGGGAGCCTCATGCTT-3'
Protein context (NP_066015.2, residues 1512-1532): LHPTKPPVPV[Ile1522Val]SSAVLLSQKD